The following is an entry in ClinVar:

ClinVar aggregate classification (germline): Uncertain significance (1 of 4 stars; one submission).

Submission:

Labcorp Genetics (formerly Invitae), Labcorp
Classification: Uncertain significance. Last evaluated: 2021-11-27. Review status: criteria provided, single submitter. Criteria: Invitae Variant Classification Sherloc (09022015). Collection method: clinical testing. Allele origin: germline.
Comment: In summary, the available evidence is currently insufficient to determine the role of this variant in disease. Therefore, it has been classified as a Variant of Uncertain Significance. Algorithms developed to predict the effect of missense changes on protein structure and function are either unavailable or do not agree on the potential impact of this missense change (SIFT: "Tolerated"; PolyPhen-2: "Probably Damaging"; Align-GVGD: "Class C0"). This variant has not been reported in the literature in individuals affected with EMC1-related conditions. This variant is not present in population databases (gnomAD no frequency). This sequence change replaces serine, which is neutral and polar, with tyrosine, which is neutral and polar, at codon 68 of the EMC1 protein (p.Ser68Tyr).

NM_015047.3(EMC1):c.203C>A (p.Ser68Tyr)

Gene: EMC1 (ER membrane protein complex subunit 1; minus strand). Cytogenetic location: 1p36.13.
Variant type: single nucleotide variant.
Coding change: c.203C>A on transcript NM_015047.3 (MANE Select); coding-DNA position 203, C replaced by A.
Protein change: p.Ser68Tyr; replaces serine 68 with tyrosine.
Molecular consequence: missense variant.
Genome position (GRCh38, 1-based): chr1:19,244,923, G>T on the plus strand (C>A on the coding strand, the complement: EMC1 is on the minus strand). VCF-style: chr1-19244923-G-T. GRCh37 (hg19) VCF-style: chr1-19571417-G-T.
Other names: c.203C>A, p.Ser68Tyr (NM_001271427.2, NM_001271428.2, NM_001271429.2 and 2 more transcripts); short protein forms S68Y.
Identifiers: ClinVar variation 2004437 (VCV002004437.4), dbSNP rs1384112958, ClinGen allele CA338773712.